The following is an entry in ClinVar:

NM_004523.4(KIF11):c.2279A>T (p.Asp760Val)

Gene: KIF11 (kinesin family member 11; plus strand). Cytogenetic location: 10q23.33.
Variant type: single nucleotide variant.
Coding change: c.2279A>T on transcript NM_004523.4 (MANE Select); coding-DNA position 2279, A replaced by T.
Protein change: p.Asp760Val; replaces aspartic acid 760 with valine.
Molecular consequence: missense variant.
Genome position (GRCh38, 1-based): chr10:92,645,374, A>T. VCF-style: chr10-92645374-A-T. GRCh37 (hg19) VCF-style: chr10-94405131-A-T.
Other names: NC_000010.10:g.94405131A>T; short protein forms D760V.
Identifiers: ClinVar variation 1029855 (VCV001029855.5), dbSNP rs778431479, ClinGen allele CA5604378.

ClinVar aggregate classification (germline): Uncertain significance. Review status: criteria provided, multiple submitters, no conflicts (2 of 4 stars). 3 submissions from 3 submitters: Uncertain significance (2). 1 of the submissions does not count toward it. Last evaluated 2025-06-30.

Conditions:
KIF11-related disorder. Also called: KIF11-related condition.
Microcephaly with or without chorioretinopathy, lymphedema, or impaired intellectual development. Also called: Microcephaly with or without chorioretinopathy, lymphedema, or mental retardation; MICROCEPHALY AND CHORIORETINOPATHY WITH OR WITHOUT MENTAL RETARDATION, AUTOSOMAL DOMINANT; MICROCEPHALY, LYMPHEDEMA, CHORIORETINAL DYSPLASIA SYNDROME; Microcephaly with or without chorioretinopathy, lymphedema, or intellectual disability; Microcephaly lymphedema chorioretinal dysplasia. Identifiers: Orphanet 2526, MedGen C1835265, MONDO:0007918, OMIM 152950.

Allele frequency attached by ClinVar (database versions not stated): ExAC 0.00001; TOPMed 0.00001.
gnomAD v4.1: 3 of 1,608,808 alleles (0.00019%); highest among the groups gnomAD compares: Non-Finnish European, 0.00026%; no homozygotes.

Submissions (4):

Labcorp Genetics (formerly Invitae), Labcorp
Classification: Uncertain significance. Last evaluated: 2025-06-30. Review status: criteria provided, single submitter. Criteria: Invitae Variant Classification Sherloc (09022015). Collection method: clinical testing. Allele origin: germline.
Comment: This sequence change replaces aspartic acid, which is acidic and polar, with valine, which is neutral and non-polar, at codon 760 of the KIF11 protein (p.Asp760Val). This variant is not present in population databases (gnomAD no frequency). This variant has not been reported in the literature in individuals affected with KIF11-related conditions. ClinVar contains an entry for this variant (Variation ID: 1029855). Invitae Evidence Modeling of protein sequence and biophysical properties (such as structural, functional, and spatial information, amino acid conservation, physicochemical variation, residue mobility, and thermodynamic stability) indicates that this missense variant is not expected to disrupt KIF11 protein function with a negative predictive value of 95%. Algorithms developed to predict the effect of sequence changes on RNA splicing suggest that this variant may disrupt the consensus splice site. In summary, the available evidence is currently insufficient to determine the role of this variant in disease. Therefore, it has been classified as a Variant of Uncertain Significance.

Baylor Genetics
Classification: Uncertain significance for Microcephaly with or without chorioretinopathy, lymphedema, or impaired intellectual development. Last evaluated: 2022-12-19. Review status: criteria provided, single submitter. Criteria: ACMG Guidelines, 2015. Collection method: clinical testing. Allele origin: unknown.

PreventionGenetics, part of Exact Sciences
Classification: Uncertain significance for KIF11-related condition. Last evaluated: 2024-09-16. Review status: no assertion criteria provided. Collection method: clinical testing. Allele origin: germline. Not counted in ClinVar's aggregate classification.
Comment: The KIF11 c.2279A>T variant is predicted to result in the amino acid substitution p.Asp760Val. To our knowledge, this variant has not been reported in the literature or in a large population database, indicating this variant is rare. At this time, the clinical significance of this variant is uncertain due to the absence of conclusive functional and genetic evidence.

Dr. Peter K. Rogan Lab, Western University
No classification provided (evidence only). Condition: Familial cancer of breast. Review status: no classification provided. Collection method: in vitro. Allele origin: not applicable. Functional consequence: retained intron. Not counted in ClinVar's aggregate classification.